The following is an entry in ClinVar:

NM_001042492.3(NF1):c.568T>A (p.Leu190Ile)

Gene: NF1 (neurofibromin 1; plus strand). Cytogenetic location: 17q11.2.
Variant type: single nucleotide variant.
Coding change: c.568T>A on transcript NM_001042492.3 (MANE Select); coding-DNA position 568, T replaced by A.
Protein change: p.Leu190Ile; replaces leucine 190 with isoleucine.
Molecular consequence: missense variant.
Genome position (GRCh38, 1-based): chr17:31,169,979, T>A. VCF-style: chr17-31169979-T-A. GRCh37 (hg19) VCF-style: chr17-29496997-T-A.
Other names: c.568T>A, p.Leu190Ile (NM_000267.4, NM_001128147.3); short protein forms L190I.
Identifiers: ClinVar variation 4860844 (VCV004860844.1).

ClinVar aggregate classification (germline): Uncertain significance (1 of 4 stars; one submission).

Conditions:
Cardiovascular phenotype. Identifiers: MedGen CN230736.
Hereditary cancer-predisposing syndrome. Also called: Neoplastic Syndromes, Hereditary; Tumor predisposition; Hereditary Cancer Syndrome; Hereditary neoplastic syndrome. Identifiers: Orphanet 140162, MedGen C0027672, MeSH D009386, MONDO:0015356.

Submission:

Ambry Genetics
Classification: Uncertain significance for Cardiovascular phenotype; Hereditary cancer-predisposing syndrome. Last evaluated: 2026-05-26. Review status: criteria provided, single submitter. Criteria: Ambry Variant Classification Scheme 2023. Collection method: clinical testing. Allele origin: germline.
Comment: The p.L190I variant (also known as c.568T>A), located in coding exon 5 of the NF1 gene, results from a T to A substitution at nucleotide position 568. The leucine at codon 190 is replaced by isoleucine, an amino acid with highly similar properties. This amino acid position is highly conserved in available vertebrate species. In addition, the in silico prediction for this alteration is inconclusive. Based on the available evidence, the clinical significance of this variant remains unclear.